The following is an entry in ClinVar:

NM_001367916.1(MAGT1):c.906G>A (p.Met302Ile)

Gene: MAGT1 (magnesium transporter 1; minus strand). Cytogenetic location: Xq21.1.
Variant type: single nucleotide variant.
Coding change: c.906G>A on transcript NM_001367916.1 (MANE Select); coding-DNA position 906, G replaced by A.
Protein change: p.Met302Ile; replaces methionine 302 with isoleucine.
Molecular consequence: missense variant.
Genome position (GRCh38, 1-based): chrX:77,830,891, C>T on the plus strand (G>A on the coding strand, the complement: MAGT1 is on the minus strand). VCF-style: chrX-77830891-C-T. GRCh37 (hg19) VCF-style: chrX-77086388-C-T.
Other names: c.1002G>A, p.Met334Ile (NM_032121.5); short protein forms M302I, M334I.
Identifiers: ClinVar variation 3631998 (VCV003631998.2).

ClinVar aggregate classification (germline): Uncertain significance (1 of 4 stars; one submission).

Conditions:
X-linked immunodeficiency with magnesium defect, Epstein-Barr virus infection and neoplasia. Identifiers: Orphanet 317476, MedGen C3275445, MONDO:0010455, OMIM 300853.

Submission:

Labcorp Genetics (formerly Invitae), Labcorp
Classification: Uncertain significance for X-linked immunodeficiency with magnesium defect, Epstein-Barr virus infection and neoplasia. Last evaluated: 2025-01-20. Review status: criteria provided, single submitter. Criteria: Invitae Variant Classification Sherloc (09022015). Collection method: clinical testing. Allele origin: germline.
Comment: This sequence change replaces methionine, which is neutral and non-polar, with isoleucine, which is neutral and non-polar, at codon 334 of the MAGT1 protein (p.Met334Ile). This variant is not present in population databases (gnomAD no frequency). This variant has not been reported in the literature in individuals affected with MAGT1-related conditions. Invitae Evidence Modeling of protein sequence and biophysical properties (such as structural, functional, and spatial information, amino acid conservation, physicochemical variation, residue mobility, and thermodynamic stability) indicates that this missense variant is not expected to disrupt MAGT1 protein function with a negative predictive value of 80%. In summary, the available evidence is currently insufficient to determine the role of this variant in disease. Therefore, it has been classified as a Variant of Uncertain Significance.